The following is an entry in ClinVar:

ClinVar aggregate classification (germline): Pathogenic (1 of 4 stars; one submission).

Submission:

GeneDx
Classification: Pathogenic. Last evaluated: 2022-07-06. Review status: criteria provided, single submitter. Criteria: GeneDx Variant Classification Process June 2021. Collection method: clinical testing. Allele origin: germline. Affected: yes.
Comment: Nonsense variant predicted to result in protein truncation or nonsense mediated decay in a gene for which loss of function is a known mechanism of disease; Not observed at significant frequency in large population cohorts (gnomAD); Has not been previously published as pathogenic or benign to our knowledge

NM_003590.5(CUL3):c.268C>T (p.Arg90Ter)

Gene: CUL3 (cullin 3; minus strand). Cytogenetic location: 2q36.2.
Variant type: single nucleotide variant.
Coding change: c.268C>T on transcript NM_003590.5 (MANE Select); coding-DNA position 268, C replaced by T.
Protein change: p.Arg90Ter; replaces arginine 90 with a stop codon.
Molecular consequence: nonsense.
Genome position (GRCh38, 1-based): chr2:224,535,638, G>A on the plus strand (C>T on the coding strand, the complement: CUL3 is on the minus strand). VCF-style: chr2-224535638-G-A. GRCh37 (hg19) VCF-style: chr2-225400355-G-A.
Other names: c.70C>T, p.Arg24Ter (NM_001257197.2); c.286C>T, p.Arg96Ter (NM_001257198.2); short protein forms R90*, R96*, R24*.
Identifiers: ClinVar variation 1810435 (VCV001810435.1), dbSNP rs2106264622, ClinGen allele CA351130563.